The following is an entry in ClinVar:

NM_000207.3(INS):c.241dup (p.Ala81fs)

Genes: INS (insulin; minus strand), INS-IGF2 (INS-IGF2 readthrough; minus strand). Cytogenetic location: 11p15.5.
Variant type: Duplication.
Coding change: c.241dup on transcript NM_000207.3 (MANE Select); coding-DNA position 241, one base duplicated (G; older notation c.241dupG).
Protein change: p.Ala81fs; shifts the reading frame from alanine 81.
Molecular consequence: frameshift variant. On other transcripts: intron variant (1).
Genome position (GRCh38, 1-based): chr11:2,159,944, C duplicated on the plus strand (G on the coding strand, the reverse complement: INS is on the minus strand); the first of 2 consecutive C bases (chr11:2,159,944-2,159,945); duplicating either gives the same sequence. VCF-style (leftmost placement, unchanged base first): chr11-2159943-G-GC. GRCh37 (hg19) VCF-style: chr11-2181173-G-GC.
Other names: c.241dup, p.Ala81fs (NM_001185097.2, NM_001185098.2, NM_001291897.2); c.187+841dup (NM_001042376.3); short protein forms A81fs.
Identifiers: ClinVar variation 4714280 (VCV004714280.1).

ClinVar aggregate classification (germline): Uncertain significance (1 of 4 stars; one submission).

Submission:

Labcorp Genetics (formerly Invitae), Labcorp
Classification: Uncertain significance. Last evaluated: 2025-03-04. Review status: criteria provided, single submitter. Criteria: Invitae Variant Classification Sherloc (09022015). Collection method: clinical testing. Allele origin: germline.
Comment: This sequence change results in a frameshift in the INS gene (p.Ala81Glyfs*). While this is not anticipated to result in nonsense mediated decay, it is expected to disrupt the last 30 amino acid(s) of the INS protein and extend the protein. This variant is not present in population databases (gnomAD no frequency). This variant has not been reported in the literature in individuals affected with INS-related conditions. Experimental studies and prediction algorithms are not available or were not evaluated, and the functional significance of this variant is currently unknown. In summary, the available evidence is currently insufficient to determine the role of this variant in disease. Therefore, it has been classified as a Variant of Uncertain Significance.